The following is an entry in ClinVar:

NM_003482.4(KMT2D):c.6733C>G (p.Leu2245Val)

Gene: KMT2D (lysine methyltransferase 2D; minus strand). Cytogenetic location: 12q13.12.
Variant type: single nucleotide variant.
Coding change: c.6733C>G on transcript NM_003482.4 (MANE Select); coding-DNA position 6733, C replaced by G.
Protein change: p.Leu2245Val; replaces leucine 2245 with valine.
Molecular consequence: missense variant.
Genome position (GRCh38, 1-based): chr12:49,041,037, G>C on the plus strand (C>G on the coding strand, the complement: KMT2D is on the minus strand). VCF-style: chr12-49041037-G-C. GRCh37 (hg19) VCF-style: chr12-49434820-G-C.
Other names: short protein forms L2245V.
Identifiers: ClinVar variation 158779 (VCV000158779.50), dbSNP rs201931833, ClinGen allele CA202514.

ClinVar aggregate classification (germline): Conflicting classifications of pathogenicity. Review status: criteria provided, conflicting classifications (1 of 4 stars). 9 submissions from 9 submitters: Uncertain significance (1); Benign (1); Likely benign (7). Last evaluated 2026-09-01.

Conditions:
Kabuki syndrome. Also called: NIIKAWA-KUROKI SYNDROME; Kabuki make-up syndrome. Identifiers: Orphanet 2322, MedGen C0796004, MONDO:0016512.
Inborn genetic diseases. Identifiers: MedGen C0950123, MeSH D030342.
Kabuki syndrome 1 (KABUK1). Also called: KMT2D-Related Kabuki Syndrome. Identifiers: Orphanet 2322, MedGen CN030661, MONDO:0007843, OMIM 147920.

Allele frequency attached by ClinVar (database versions not stated): 1000 Genomes Project 0.00040; 1000 Genomes Project 30x 0.00047; TOPMed 0.00102; gnomAD 0.00122 and 0.00124; ESP Exome Variant Server 0.00165.
gnomAD v4.1: 2,659 of 1,567,318 alleles (0.17%); highest among the groups gnomAD compares: Non-Finnish European, 0.2%; 1 homozygote.

Submissions (9):

CeGaT Center for Human Genetics Tuebingen
Classification: Likely benign. Last evaluated: 2026-09-01. Review status: criteria provided, single submitter. Criteria: CeGaT Center For Human Genetics Tuebingen Variant Classification Criteria Version 2. Collection method: clinical testing. Allele origin: germline. Affected: yes. Observed: 7 variant alleles.
Comment: KMT2D: BS1

Labcorp Genetics (formerly Invitae), Labcorp
Classification: Likely benign for Kabuki syndrome. Last evaluated: 2026-02-02. Review status: criteria provided, single submitter. Criteria: Invitae Variant Classification Sherloc (09022015). Collection method: clinical testing. Allele origin: germline.

Blueprint Genetics
Classification: Likely benign. Last evaluated: 2024-10-03. Review status: criteria provided, single submitter. Criteria: ACMG Guidelines, 2015. Collection method: clinical testing. Allele origin: germline.

Ambry Genetics
Classification: Likely benign for Inborn genetic diseases. Last evaluated: 2024-09-16. Review status: criteria provided, single submitter. Criteria: Ambry Variant Classification Scheme 2023. Collection method: clinical testing. Allele origin: germline.

GeneDx
Classification: Benign. Last evaluated: 2019-10-28. Review status: criteria provided, single submitter. Criteria: GeneDx Variant Classification Process June 2021. Collection method: clinical testing. Allele origin: germline. Affected: yes.
Comment: This variant is associated with the following publications: (PMID: 29627316, 30459467, 30107592)

Genetic Services Laboratory, University of Chicago
Classification: Likely benign. Last evaluated: 2017-06-16. Review status: criteria provided, single submitter. Criteria: ACMG Guidelines, 2015. Collection method: clinical testing. Allele origin: germline. Affected: no.

Center for Human Genetics, Inc
Classification: Uncertain significance for Kabuki syndrome 1. Last evaluated: 2016-11-01. Review status: criteria provided, single submitter. Criteria: ACMG Guidelines, 2015. Collection method: clinical testing. Allele origin: germline. Affected: yes.

Eurofins Ntd Llc (ga)
Classification: Likely benign. Last evaluated: 2015-03-13. Review status: criteria provided, single submitter. Criteria: EGL Classification Definitions 2015. Collection method: clinical testing. Allele origin: germline. Observed: 1 variant allele, 1 heterozygote.

PreventionGenetics, part of Exact Sciences
Classification: Likely benign. Review status: criteria provided, single submitter. Criteria: ACMG Guidelines, 2015. Collection method: clinical testing. Allele origin: germline.